The following is an entry in ClinVar:

ClinVar aggregate classification (germline): Uncertain significance (1 of 4 stars; one submission).

Submission:

Labcorp Genetics (formerly Invitae), Labcorp
Classification: Uncertain significance. Last evaluated: 2024-04-24. Review status: criteria provided, single submitter. Criteria: Invitae Variant Classification Sherloc (09022015). Collection method: clinical testing. Allele origin: germline.
Comment: This sequence change replaces cysteine, which is neutral and slightly polar, with glycine, which is neutral and non-polar, at codon 40 of the RAI1 protein (p.Cys40Gly). This variant is not present in population databases (gnomAD no frequency). This variant has not been reported in the literature in individuals affected with RAI1-related conditions. Advanced modeling of protein sequence and biophysical properties (such as structural, functional, and spatial information, amino acid conservation, physicochemical variation, residue mobility, and thermodynamic stability) performed at Invitae indicates that this missense variant is expected to disrupt RAI1 protein function with a positive predictive value of 80%. In summary, the available evidence is currently insufficient to determine the role of this variant in disease. Therefore, it has been classified as a Variant of Uncertain Significance.

NM_030665.4(RAI1):c.118T>G (p.Cys40Gly)

Gene: RAI1 (retinoic acid induced 1; plus strand). Cytogenetic location: 17p11.2.
Variant type: single nucleotide variant.
Coding change: c.118T>G on transcript NM_030665.4 (MANE Select); coding-DNA position 118, T replaced by G.
Protein change: p.Cys40Gly; replaces cysteine 40 with glycine.
Molecular consequence: missense variant.
Genome position (GRCh38, 1-based): chr17:17,793,066, T>G. VCF-style: chr17-17793066-T-G. GRCh37 (hg19) VCF-style: chr17-17696380-T-G.
Other names: short protein forms C40G.
Identifiers: ClinVar variation 2724166 (VCV002724166.3), dbSNP rs2508566908, ClinGen allele CA398544794.